The following is an entry in ClinVar:

ClinVar aggregate classification (germline): Pathogenic (1 of 4 stars; one submission).

Conditions:
Primary ciliary dyskinesia. Also called: Ciliary dyskinesia. Identifiers: Orphanet 244, MedGen C0008780, MONDO:0016575, HP:0012265.

Submission:

Labcorp Genetics (formerly Invitae), Labcorp
Classification: Pathogenic for Primary ciliary dyskinesia. Last evaluated: 2023-01-17. Review status: criteria provided, single submitter. Criteria: Invitae Variant Classification Sherloc (09022015). Collection method: clinical testing. Allele origin: germline.
Comment: This sequence change creates a premature translational stop signal (p.Leu117Argfs*32) in the DNAAF5 gene. It is expected to result in an absent or disrupted protein product. Loss-of-function variants in DNAAF5 are known to be pathogenic (PMID: 24307375, 25232951). The frequency data for this variant in the population databases is considered unreliable, as metrics indicate insufficient coverage at this position in the gnomAD database. This variant has not been reported in the literature in individuals affected with DNAAF5-related conditions. For these reasons, this variant has been classified as Pathogenic.

Literature cited by the submitters: PubMed 24307375; PubMed 25232951.

NM_017802.4(DNAAF5):c.322_349dup (p.Leu117fs)

Genes: DNAAF5 (dynein axonemal assembly factor 5; plus strand), PRKAR1B (protein kinase cAMP-dependent type I regulatory subunit beta; minus strand). Cytogenetic location: 7p22.3.
Variant type: Duplication.
Coding change: c.322_349dup on transcript NM_017802.4 (MANE Select); coding-DNA positions 322 to 349, 28 bases duplicated (GCGCGGCCCCGCGATGCCCTGCCGCGCC).
Protein change: p.Leu117fs; shifts the reading frame from leucine 117.
Molecular consequence: frameshift variant. On other transcripts: non-coding transcript variant (1), intron variant (3).
Genome position (GRCh38, 1-based): chr7:727,042-727,069, GCGCGGCCCCGCGATGCCCTGCCGCGCC duplicated; duplicating any 28 consecutive bases within chr7:727,034-727,069 gives the same sequence; the c. name uses the placement nearest the transcript's 3' end. VCF-style (leftmost placement, unchanged base first): chr7-727033-C-CGCCGCGCCGCGCGGCCCCGCGATGCCCT. GRCh37 (hg19) VCF-style: chr7-766670-C-CGCCGCGCCGCGCGGCCCCGCGATGCCCT.
Other names: c.-23+594_-23+621dup (NM_001164759.1); c.-23+529_-23+556dup (NM_001164758.2); c.-23+149_-23+176dup (NM_001164760.2); short protein forms L117fs.
Identifiers: ClinVar variation 2801871 (VCV002801871.3), dbSNP rs1781335411, ClinGen allele CA1097439754.